The following is an entry in ClinVar:

NM_000277.3(PAH):c.918del (p.Ile306fs)

Gene: PAH (phenylalanine hydroxylase; minus strand). Cytogenetic location: 12q23.2.
Variant type: Deletion.
Coding change: c.918del on transcript NM_000277.3 (MANE Select); coding-DNA position 918, one base deleted (T; older notation c.918delT).
Protein change: p.Ile306fs; shifts the reading frame from isoleucine 306.
Molecular consequence: frameshift variant.
Genome position (GRCh38, 1-based): chr12:102,846,946, A deleted on the plus strand (T on the coding strand, the reverse complement: PAH is on the minus strand); the first of 2 consecutive A bases (chr12:102,846,946-102,846,947); deleting either gives the same sequence. VCF-style (leftmost placement, unchanged base first): chr12-102846945-CA-C. GRCh37 (hg19) VCF-style: chr12-103240723-CA-C.
Other names: c.918del, p.Ile306fs (NM_001354304.2); short protein forms I306fs.
Identifiers: ClinVar variation 5012446 (VCV005012446.1).

ClinVar aggregate classification (germline): Pathogenic (1 of 4 stars; one submission).

Conditions:
Phenylketonuria (PKU). Also called: FOLLING DISEASE; OLIGOPHRENIA PHENYLPYRUVICA; Phenylketonurias; Phenylketonuria (PKU). Identifiers: Orphanet 716, MedGen C0031485, MONDO:0009861, OMIM 261600. Disease mechanism: loss of function.

Submission:

Myriad Genetics, Inc.
Classification: Pathogenic for Phenylketonuria. Last evaluated: 2023-10-31. Review status: criteria provided, single submitter. Criteria: Myriad Autosomal Dominant, Autosomal Recessive and X-Linked Classification Criteria (2023). Collection method: clinical testing. Allele origin: unknown.
Comment: NM_000277.1(PAH):c.918delT(I306Mfs*35) is expected to be pathogenic in the context of phenylalanine hydroxylase deficiency. This variant is predicted to lead to an abnormal or absent protein product due to the creation of a premature termination codon in PAH, a gene where loss-of-function variants are known to be pathogenic. Please note: this variant was assessed in the context of healthy population screening.